The following is an entry in ClinVar:

ClinVar aggregate classification (germline): Uncertain significance (1 of 4 stars; one submission).

Submission:

Labcorp Genetics (formerly Invitae), Labcorp
Classification: Uncertain significance. Last evaluated: 2024-07-30. Review status: criteria provided, single submitter. Criteria: Invitae Variant Classification Sherloc (09022015). Collection method: clinical testing. Allele origin: germline.
Comment: This sequence change replaces threonine, which is neutral and polar, with isoleucine, which is neutral and non-polar, at codon 348 of the LCAT protein (p.Thr348Ile). This variant is not present in population databases (gnomAD no frequency). This variant has not been reported in the literature in individuals affected with LCAT-related conditions. Advanced modeling of protein sequence and biophysical properties (such as structural, functional, and spatial information, amino acid conservation, physicochemical variation, residue mobility, and thermodynamic stability) performed at Invitae indicates that this missense variant is not expected to disrupt LCAT protein function with a negative predictive value of 80%. In summary, the available evidence is currently insufficient to determine the role of this variant in disease. Therefore, it has been classified as a Variant of Uncertain Significance.

NM_000229.2(LCAT):c.1043C>T (p.Thr348Ile)

Gene: LCAT (lecithin-cholesterol acyltransferase; minus strand). Cytogenetic location: 16q22.1.
Variant type: single nucleotide variant.
Coding change: c.1043C>T on transcript NM_000229.2 (MANE Select); coding-DNA position 1043, C replaced by T.
Protein change: p.Thr348Ile; replaces threonine 348 with isoleucine.
Molecular consequence: missense variant.
Genome position (GRCh38, 1-based): chr16:67,940,184, G>A on the plus strand (C>T on the coding strand, the complement: LCAT is on the minus strand). VCF-style: chr16-67940184-G-A. GRCh37 (hg19) VCF-style: chr16-67974087-G-A.
Other names: short protein forms T348I.
Identifiers: ClinVar variation 3629223 (VCV003629223.2).
Genomic context (GRCh38, chr16:67,940,184, plus strand): 5'-CCATCCTCATAGAGCACACCCACAGGGTCCGTGTAGGGGAAGCCGTGGTCGTAGATGTAG[G>A]TGCGGGGCGTGGGCAGGCCCACGCCGTAAAGACAGTATACTTCCACACCAGGTGCTGGGA-3'
Protein context (NP_000220.1, residues 338-358): LYGVGLPTPR[Thr348Ile]YIYDHGFPYT